The following is an entry in ClinVar:

NM_001242896.3(DEPDC5):c.3202G>A (p.Ala1068Thr)

Gene: DEPDC5 (DEP domain containing 5, GATOR1 subcomplex subunit; plus strand). Cytogenetic location: 22q12.3.
Variant type: single nucleotide variant.
Coding change: c.3202G>A on transcript NM_001242896.3 (MANE Select); coding-DNA position 3202, G replaced by A.
Protein change: p.Ala1068Thr; replaces alanine 1068 with threonine.
Molecular consequence: missense variant. On other transcripts: non-coding transcript variant (5).
Genome position (GRCh38, 1-based): chr22:31,857,491, G>A. VCF-style: chr22-31857491-G-A. GRCh37 (hg19) VCF-style: chr22-32253477-G-A.
Other names: c.3202G>A (NM_001242896.1); c.3175G>A, p.Ala1059Thr (NM_001136029.4, NM_001369903.1, NM_014662.6); c.2968G>A, p.Ala990Thr (NM_001242897.2, NM_001363854.2, NM_001364319.2); c.3202G>A, p.Ala1068Thr (NM_001363852.2, NM_001364318.2, NM_001364320.2); c.3118G>A, p.Ala1040Thr (NM_001369901.1, NM_001369902.1); short protein forms A990T, A1059T, A1068T, A1040T.
Identifiers: ClinVar variation 1417903 (VCV001417903.9), dbSNP rs763158282, ClinGen allele CA10196900.

ClinVar aggregate classification (germline): Uncertain significance. Review status: criteria provided, multiple submitters, no conflicts (2 of 4 stars). 4 submissions from 4 submitters: Uncertain significance (3). 1 of the submissions does not count toward it. Last evaluated 2025-12-16.

Conditions:
Epilepsy, familial focal, with variable foci 1 (FFEVF1). Also called: DEPDC5-Related Epilepsy. Identifiers: MedGen C4551983, MONDO:0024556, OMIM 604364.
Familial focal epilepsy with variable foci (FPEVF). Identifiers: Orphanet 98820, MedGen C1858477, MONDO:0020310.
DEPDC5-related disorder. Also called: DEPDC5-related condition; DEPDC5-related related disorder.

Allele frequency attached by ClinVar (database versions not stated): ExAC 0.00001; gnomAD exomes 0.00001.
gnomAD v4.1: 31 of 1,611,992 alleles (0.0019%); highest among the groups gnomAD compares: Non-Finnish European, 0.0025%; no homozygotes.

Submissions (4):

Women's Health and Genetics/Laboratory Corporation of America, LabCorp
Classification: Uncertain significance. Last evaluated: 2025-12-16. Review status: criteria provided, single submitter. Criteria: LabCorp Variant Classification Summary - May 2015. Collection method: clinical testing. Allele origin: germline.
Comment: Variant summary: DEPDC5 c.3202G>A (p.Ala1068Thr) results in a non-conservative amino acid change in the encoded protein sequence. Algorithms developed to predict the effect of missense changes on protein structure and function are either unavailable or do not agree on the potential impact of this missense change. The variant allele was found at a frequency of 1.2e-05 in 244246 control chromosomes. The available data on variant occurrences in the general population are insufficient to allow any conclusion about variant significance. To our knowledge, no occurrence of c.3202G>A in individuals affected with DEPDC5-related conditions and no experimental evidence demonstrating its impact on protein function have been reported. ClinVar contains an entry for this variant (Variation ID: 1417903). Based on the evidence outlined above, the variant was classified as uncertain significance.

Labcorp Genetics (formerly Invitae), Labcorp
Classification: Uncertain significance for Familial focal epilepsy with variable foci. Last evaluated: 2024-01-11. Review status: criteria provided, single submitter. Criteria: Invitae Variant Classification Sherloc (09022015). Collection method: clinical testing. Allele origin: germline.
Comment: This sequence change replaces alanine, which is neutral and non-polar, with threonine, which is neutral and polar, at codon 1068 of the DEPDC5 protein (p.Ala1068Thr). The frequency data for this variant in the population databases is considered unreliable, as metrics indicate poor data quality at this position in the gnomAD database. This variant has not been reported in the literature in individuals affected with DEPDC5-related conditions. ClinVar contains an entry for this variant (Variation ID: 1417903). Algorithms developed to predict the effect of missense changes on protein structure and function output the following: SIFT: "Not Available"; PolyPhen-2: "Not Available"; Align-GVGD: "Not Available". The threonine amino acid residue is found in multiple mammalian species, which suggests that this missense change does not adversely affect protein function. In summary, the available evidence is currently insufficient to determine the role of this variant in disease. Therefore, it has been classified as a Variant of Uncertain Significance.

PreventionGenetics, part of Exact Sciences
Classification: Uncertain significance for DEPDC5-related condition. Last evaluated: 2023-09-13. Review status: criteria provided, single submitter. Criteria: ACMG Guidelines, 2015. Collection method: clinical testing. Allele origin: germline.
Comment: The DEPDC5 c.3202G>A variant is predicted to result in the amino acid substitution p.Ala1068Thr. To our knowledge, this variant has not been reported in the literature. This variant is reported in 0.0027% of alleles in individuals of European (Non-Finnish) descent in gnomAD. At this time, the clinical significance of this variant is uncertain due to the absence of conclusive functional and genetic evidence.

Zotz-Klimas Genetics Lab, MVZ Zotz Klimas
Classification: Uncertain significance for Epilepsy, familial focal, with variable foci 1. Last evaluated: 2023-10-30. Review status: no assertion criteria provided. Collection method: clinical testing. Allele origin: germline. Affected: yes. Not counted in ClinVar's aggregate classification.